The following is an entry in ClinVar:

NM_020989.4(CRYGC):c.441del (p.Arg147fs)

Genes: CRYGC (crystallin gamma C; minus strand), LOC100507443 (uncharacterized LOC100507443; plus strand). Cytogenetic location: 2q33.3.
Variant type: Deletion.
Coding change: c.441del on transcript NM_020989.4 (MANE Select); coding-DNA position 441, one base deleted (G; older notation c.441delG).
Protein change: p.Arg147fs; shifts the reading frame from arginine 147.
Molecular consequence: frameshift variant.
Genome position (GRCh38, 1-based): chr2:208,128,287, C deleted on the plus strand (G on the coding strand, the reverse complement: CRYGC is on the minus strand); the first of 2 consecutive C bases (chr2:208,128,287-208,128,288); deleting either gives the same sequence. VCF-style (leftmost placement, unchanged base first): chr2-208128286-GC-G. GRCh37 (hg19) VCF-style: chr2-208993010-GC-G.
Other names: short protein forms R147fs.
Identifiers: ClinVar variation 4993762 (VCV004993762.1).

ClinVar aggregate classification (germline): Likely pathogenic (1 of 4 stars; one submission).

Conditions:
CRYGC-related disorder. Also called: CRYGC-related condition.

Submission:

PreventionGenetics, part of Exact Sciences
Classification: Likely pathogenic for CRYGC-related condition. Last evaluated: 2025-12-10. Review status: criteria provided, single submitter. Criteria: ACMG Guidelines, 2015. Collection method: clinical testing. Allele origin: germline.
Comment: The CRYGC c.441delG variant is predicted to result in a frameshift and premature protein termination (p.Arg147Serfs*32). This variant occurs within the terminal exon of the CRYGC gene. It is predicted to alter the last 27 amino acids of the protein and disrupt the native stop codon, extending the protein coding region by four amino acids. To our knowledge, this variant has not been reported in the literature or in a large population database (gnomAD), indicating this variant is rare. Other CRYGC C-terminal frameshifts, missense, nonsense, and stop-loss variants, have been documented in patients with cataracts, indicating that this region supports protein function (see for example, Fernández-Alcalde et al. 2021. PubMed ID: 33923544; Zhong et al. 2017. PubMed ID: 28298635). Frameshift variants in CRYGC are expected to be pathogenic. Based on this evidence, we classify this variant as likely pathogenic.